The following is an entry in ClinVar:

NM_002691.4(POLD1):c.897A>G (p.Pro299=)

Gene: POLD1 (DNA polymerase delta 1, catalytic subunit; plus strand). Cytogenetic location: 19q13.33.
Variant type: single nucleotide variant.
Coding change: c.897A>G on transcript NM_002691.4 (MANE Select); coding-DNA position 897, A replaced by G.
Protein change: p.Pro299=; no amino-acid change (proline 299 retained).
Molecular consequence: synonymous variant. On other transcripts: non-coding transcript variant (1).
Genome position (GRCh38, 1-based): chr19:50,402,668, A>G. VCF-style: chr19-50402668-A-G. GRCh37 (hg19) VCF-style: chr19-50905925-A-G.
Other names: c.897A>G, p.Pro299= (NM_001256849.1, NM_001308632.1).
Identifiers: ClinVar variation 715228 (VCV000715228.14), dbSNP rs1601202571, ClinGen allele CA508181945.

ClinVar aggregate classification (germline): Benign/Likely benign. Review status: criteria provided, multiple submitters, no conflicts (2 of 4 stars). 4 submissions from 4 submitters: Benign (1); Likely benign (2). 1 of the submissions does not count toward it. Last evaluated 2025-11-21.

Conditions:
POLD1-related disorder. Also called: POLD1-related disorders; POLD1-related condition.
Hereditary cancer-predisposing syndrome. Also called: Hereditary Cancer Syndrome; Hereditary neoplastic syndrome; Neoplastic Syndromes, Hereditary; Tumor predisposition. Identifiers: Orphanet 140162, MedGen C0027672, MeSH D009386, MONDO:0015356.
POLD1-related polyposis and colorectal cancer syndrome (CRCS10). Also called: Colorectal cancer, susceptibility to, 10; Colorectal cancer 10; COLORECTAL CANCER, SUSCEPTIBILITY TO, ON CHROMOSOME 19q. Identifiers: Orphanet 220460, MedGen C2675481, MONDO:0012953, OMIM 612591.

Allele frequency attached by ClinVar (database versions not stated): gnomAD 0.00001.
gnomAD v4.1: 2 of 1,596,710 alleles (0.00013%); highest among the groups gnomAD compares: Admixed American, 0.0017%; no homozygotes.

Submissions (4):

Labcorp Genetics (formerly Invitae), Labcorp
Classification: Likely benign for POLD1-related polyposis and colorectal cancer syndrome. Last evaluated: 2025-11-21. Review status: criteria provided, single submitter. Criteria: Invitae Variant Classification Sherloc (09022015). Collection method: clinical testing. Allele origin: germline.

Myriad Genetics, Inc.
Classification: Benign for POLD1-related polyposis and colorectal cancer syndrome. Last evaluated: 2025-02-05. Review status: criteria provided, single submitter. Criteria: Myriad Autosomal Dominant, Autosomal Recessive and X-Linked Classification Criteria (2023). Collection method: clinical testing. Allele origin: unknown.
Comment: This variant is considered benign. This variant is a silent/synonymous amino acid change and it is not expected to impact splicing.

Ambry Genetics
Classification: Likely benign for Hereditary cancer-predisposing syndrome. Last evaluated: 2019-07-26. Review status: criteria provided, single submitter. Criteria: Ambry Variant Classification Scheme 2023. Collection method: clinical testing. Allele origin: germline.

PreventionGenetics, part of Exact Sciences
Classification: Likely benign for POLD1-related condition. Last evaluated: 2024-02-16. Review status: no assertion criteria provided. Collection method: clinical testing. Allele origin: germline. Not counted in ClinVar's aggregate classification.
Comment: This variant is classified as likely benign based on ACMG/AMP sequence variant interpretation guidelines (Richards et al. 2015 PMID: 25741868, with internal and published modifications).